The following is an entry in ClinVar:

ClinVar aggregate classification (germline): Uncertain significance (1 of 4 stars; one submission).

Conditions:
Intellectual disability, X-linked, with or without seizures, ARX-related. Also called: MENTAL RETARDATION, X-LINKED 29; MENTAL RETARDATION, X-LINKED 32; MENTAL RETARDATION, X-LINKED 33; MENTAL RETARDATION, X-LINKED 38; MENTAL RETARDATION, X-LINKED 43; MENTAL RETARDATION, X-LINKED 76. Identifiers: Orphanet 777, MedGen C0796244, MONDO:0010317, OMIM 300419.
Developmental and epileptic encephalopathy, 1 (DEE1). Also called: X-linked infantile spasms; West's syndrome; Tonic spasms with clustering, arrest of psychomotor development and hypsarrhythmia on EEG; X-Linked Infantile Spasm Syndrome; OHTAHARA SYNDROME, X-LINKED; Epileptic encephalopathy, early infantile, 1. Identifiers: MedGen C3463992, MONDO:0010632, OMIM 308350. Disease mechanism: loss of function.

Submission:

Labcorp Genetics (formerly Invitae), Labcorp
Classification: Uncertain significance for Developmental and epileptic encephalopathy, 1; Intellectual disability, X-linked, with or without seizures, ARX-related. Last evaluated: 2025-04-17. Review status: criteria provided, single submitter. Criteria: Invitae Variant Classification Sherloc (09022015). Collection method: clinical testing. Allele origin: germline.
Comment: This sequence change replaces leucine, which is neutral and non-polar, with isoleucine, which is neutral and non-polar, at codon 97 of the ARX protein (p.Leu97Ile). The frequency data for this variant in the population databases is considered unreliable, as metrics indicate insufficient coverage at this position in the gnomAD database. This variant has not been reported in the literature in individuals affected with ARX-related conditions. Invitae Evidence Modeling of protein sequence and biophysical properties (such as structural, functional, and spatial information, amino acid conservation, physicochemical variation, residue mobility, and thermodynamic stability) indicates that this missense variant is not expected to disrupt ARX protein function with a negative predictive value of 95%. In summary, the available evidence is currently insufficient to determine the role of this variant in disease. Therefore, it has been classified as a Variant of Uncertain Significance.

NM_139058.3(ARX):c.289C>A (p.Leu97Ile)

Gene: ARX (aristaless related homeobox; minus strand). Cytogenetic location: Xp21.3.
Variant type: single nucleotide variant.
Coding change: c.289C>A on transcript NM_139058.3 (MANE Select); coding-DNA position 289, C replaced by A.
Protein change: p.Leu97Ile; replaces leucine 97 with isoleucine.
Molecular consequence: missense variant.
Genome position (GRCh38, 1-based): chrX:25,013,706, G>T on the plus strand (C>A on the coding strand, the complement: ARX is on the minus strand). VCF-style: chrX-25013706-G-T. GRCh37 (hg19) VCF-style: chrX-25031823-G-T.
Other names: short protein forms L97I.
Identifiers: ClinVar variation 4789431 (VCV004789431.1).